The following is an entry in ClinVar:

ClinVar aggregate classification (germline): Uncertain significance (1 of 4 stars; one submission).

Conditions:
Hereditary cancer-predisposing syndrome. Also called: Tumor predisposition; Hereditary Cancer Syndrome; Neoplastic Syndromes, Hereditary; Hereditary neoplastic syndrome. Identifiers: Orphanet 140162, MedGen C0027672, MeSH D009386, MONDO:0015356.

Submission:

Color Diagnostics, LLC DBA Color Health
Classification: Uncertain significance for Hereditary cancer-predisposing syndrome. Last evaluated: 2021-05-17. Review status: criteria provided, single submitter. Criteria: ACMG Guidelines, 2015. Collection method: clinical testing. Allele origin: germline.
Comment: This variant causes a T to A nucleotide substitution at the -9 position of intron 9 of the PMS2 gene. To our knowledge, functional studies have not been reported for this variant. This variant has not been reported in individuals affected with hereditary cancer in the literature. This variant has not been identified in the general population by the Genome Aggregation Database (gnomAD). The available evidence is insufficient to determine the role of this variant in disease conclusively. Therefore, this variant is classified as a Variant of Uncertain Significance.

NM_000535.7(PMS2):c.989-9T>A

Gene: PMS2 (PMS1 homolog 2, mismatch repair system component; minus strand). Cytogenetic location: 7p22.1.
Variant type: single nucleotide variant.
Coding change: c.989-9T>A on transcript NM_000535.7 (MANE Select); 9 bases into the intron before coding-DNA position 989, T replaced by A.
Molecular consequence: intron variant.
Genome position (GRCh38, 1-based): chr7:5,989,964, A>T on the plus strand (T>A on the coding strand, the complement: PMS2 is on the minus strand). VCF-style: chr7-5989964-A-T. GRCh37 (hg19) VCF-style: chr7-6029595-A-T.
Other names: c.671-9T>A (NM_001322008.2, NM_001322007.2); c.583+2009T>A (NM_001322010.2); c.584-9T>A (NM_001322004.2, NM_001322003.2, NM_001322009.2 and 1 more transcripts); c.416-9T>A (NM_001322013.2); c.56-9T>A (NM_001322012.2, NM_001322011.2); c.680-9T>A (NM_001322015.2); c.988+2009T>A (NM_001322006.2); c.989-9T>A (NM_001322014.2).
Identifiers: ClinVar variation 1332558 (VCV001332558.2), dbSNP rs2128749159, ClinGen allele CA2573052899.